The following is an entry in ClinVar:

NM_000196.4(HSD11B2):c.637C>T (p.Arg213Cys)

Gene: HSD11B2 (hydroxysteroid 11-beta dehydrogenase 2; plus strand). Cytogenetic location: 16q22.1.
Variant type: single nucleotide variant.
Coding change: c.637C>T on transcript NM_000196.4 (MANE Select); coding-DNA position 637, C replaced by T.
Protein change: p.Arg213Cys; replaces arginine 213 with cysteine.
Molecular consequence: missense variant.
Genome position (GRCh38, 1-based): chr16:67,436,115, C>T. VCF-style: chr16-67436115-C-T. GRCh37 (hg19) VCF-style: chr16-67470018-C-T.
Other names: c.637C>T (NM_000196.3); short protein forms R213C.
Identifiers: ClinVar variation 12094 (VCV000012094.3), dbSNP rs28934591, ClinGen allele CA121880.

ClinVar aggregate classification (germline): Pathogenic. Review status: criteria provided, single submitter (1 of 4 stars). 2 submissions from 2 submitters: Pathogenic (1). 1 of the submissions does not count toward it. Last evaluated 2025-06-09.

Conditions:
Apparent mineralocorticoid excess (AME). Also called: CORTISOL 11-BETA-KETOREDUCTASE DEFICIENCY. Identifiers: Orphanet 320, MedGen C0342488, MONDO:0009025, OMIM 218030.

Submissions (2):

GeneDx
Classification: Pathogenic. Last evaluated: 2025-06-09. Review status: criteria provided, single submitter. Criteria: GeneDx Variant Classification Process June 2021. Collection method: clinical testing. Allele origin: germline. Affected: yes.
Comment: Published functional studies demonstrate a damaging effect on enzyme activity (PMID: 8641723, 7670488, 10489390); In silico analysis supports that this missense variant has a deleterious effect on protein structure/function; Not observed at significant frequency in large population cohorts (gnomAD); This variant is associated with the following publications: (PMID: 29229831, 31589614, 10489390, 10883518, 24729284, 20571110, 7670488, 8641723, 9851783, 29617893, 30239803)

OMIM
Classification: Pathogenic for APPARENT MINERALOCORTICOID EXCESS. Last evaluated: 1998-12-01. Review status: no assertion criteria provided. Collection method: literature only. Allele origin: germline. Not counted in ClinVar's aggregate classification.

Literature cited by the submitters: PubMed 3860318 (cited by OMIM); PubMed 7670488 (cited by OMIM); PubMed 9851783 (cited by OMIM).